The following is an entry in ClinVar:

NM_005619.5(RTN2):c.1375C>T (p.Leu459Phe)

Genes: OPA3-RTN2 (OPA3-RTN2 readthrough; minus strand), RTN2 (reticulon 2; minus strand). Cytogenetic location: 19q13.32.
Variant type: single nucleotide variant.
Coding change: c.1375C>T on transcript NM_005619.5 (MANE Select); coding-DNA position 1375, C replaced by T.
Protein change: p.Leu459Phe; replaces leucine 459 with phenylalanine.
Molecular consequence: missense variant.
Genome position (GRCh38, 1-based): chr19:45,488,853, G>A on the plus strand (C>T on the coding strand, the complement: RTN2 is on the minus strand). VCF-style: chr19-45488853-G-A. GRCh37 (hg19) VCF-style: chr19-45992111-G-A.
Other names: c.1156C>T, p.Leu386Phe (NM_206900.3); c.355C>T, p.Leu119Phe (NM_206901.3); short protein forms L459F, L119F, L386F.
Identifiers: ClinVar variation 527997 (VCV000527997.8), dbSNP rs1555797475, ClinGen allele CA406354850.

ClinVar aggregate classification (germline): Uncertain significance (1 of 4 stars; one submission).

Conditions:
Spastic paraplegia. Identifiers: MedGen C0037772, HP:0001258.

Submission:

Labcorp Genetics (formerly Invitae), Labcorp
Classification: Uncertain significance for Spastic paraplegia. Last evaluated: 2024-04-29. Review status: criteria provided, single submitter. Criteria: Invitae Variant Classification Sherloc (09022015). Collection method: clinical testing. Allele origin: germline.
Comment: This sequence change replaces leucine, which is neutral and non-polar, with phenylalanine, which is neutral and non-polar, at codon 459 of the RTN2 protein (p.Leu459Phe). This variant is not present in population databases (gnomAD no frequency). This variant has not been reported in the literature in individuals affected with RTN2-related conditions. ClinVar contains an entry for this variant (Variation ID: 527997). Algorithms developed to predict the effect of missense changes on protein structure and function output the following: SIFT: "Not Available"; PolyPhen-2: "Benign"; Align-GVGD: "Not Available". The phenylalanine amino acid residue is found in multiple mammalian species, which suggests that this missense change does not adversely affect protein function. In summary, the available evidence is currently insufficient to determine the role of this variant in disease. Therefore, it has been classified as a Variant of Uncertain Significance.